The following is an entry in ClinVar:

ClinVar aggregate classification (germline): Pathogenic (1 of 4 stars; one submission).

Conditions:
Tyrosinemia type III. Also called: 4-HYDROXYPHENYLPYRUVIC ACID OXIDASE DEFICIENCY; Tyrosinemia type 3; 4-alpha hydroxyphenylpyruvic acid oxidase deficiency; 4-alpha hydroxyphenylpyruvate dioxygenase deficiency; 4-Hydroxyphenylpyruvate dioxygenase deficiency. Identifiers: Orphanet 69723, MedGen C0268623, MONDO:0010162, OMIM 276710.
Hawkinsinuria. Identifiers: Orphanet 2118, MedGen C2931042, MONDO:0007700, OMIM 140350, HP:0034457.

Submission:

Labcorp Genetics (formerly Invitae), Labcorp
Classification: Pathogenic for Tyrosinemia type III; Hawkinsinuria. Last evaluated: 2023-09-09. Review status: criteria provided, single submitter. Criteria: Invitae Variant Classification Sherloc (09022015). Collection method: clinical testing. Allele origin: unknown.
Comment: For these reasons, this variant has been classified as Pathogenic. This variant has not been reported in the literature in individuals affected with HPD-related conditions. This variant is a gross deletion of the genomic region encompassing exon(s) 1-11 of the HPD gene, which includes the initiator codon. This deletion extends beyond the assayed region for this gene and therefore may encompass additional genes. It is expected to result in an absent or disrupted protein product. Loss-of-function variants in HPD are known to be pathogenic (PMID: 10942115, 23036342).

Literature cited by the submitters: PubMed 10942115; PubMed 23036342.

NC_000012.11:g.(?_122284748)_(122296729_?)del

Gene: HPD (4-hydroxyphenylpyruvate dioxygenase; minus strand). Cytogenetic location: 12q24.31.
Variant type: Deletion.
Identifiers: ClinVar variation 3244248 (VCV003244248.1).